The following is an entry in ClinVar:

ClinVar aggregate classification (germline): Uncertain significance (1 of 4 stars; one submission).

Conditions:
Developmental and epileptic encephalopathy, 9 (DEE9). Also called: PCDH19-Related X-Linked Female-Limited Epilepsy with Mental Retardation; Early infantile epileptic encephalopathy 9; JUBERG-HELLMAN SYNDROME; EPILEPSY, FEMALE-RESTRICTED, WITH MENTAL RETARDATION. Identifiers: Orphanet 101039, Orphanet 2076, MedGen C1848137, MONDO:0010246, OMIM 300088. Disease mechanism: loss of function.

Submission:

Labcorp Genetics (formerly Invitae), Labcorp
Classification: Uncertain significance for Developmental and epileptic encephalopathy, 9. Last evaluated: 2021-01-11. Review status: criteria provided, single submitter. Criteria: Invitae Variant Classification Sherloc (09022015). Collection method: clinical testing. Allele origin: germline.
Comment: In summary, the available evidence is currently insufficient to determine the role of this variant in disease. Therefore, it has been classified as a Variant of Uncertain Significance. Algorithms developed to predict the effect of missense changes on protein structure and function (SIFT, PolyPhen-2, Align-GVGD) all suggest that this variant is likely to be disruptive, but these predictions have not been confirmed by published functional studies and their clinical significance is uncertain. This variant has not been reported in the literature in individuals with PCDH19-related conditions. This variant is not present in population databases (ExAC no frequency). This sequence change replaces isoleucine with threonine at codon 688 of the PCDH19 protein (p.Ile688Thr). The isoleucine residue is highly conserved and there is a moderate physicochemical difference between isoleucine and threonine.

NM_001184880.2(PCDH19):c.2063T>C (p.Ile688Thr)

Gene: PCDH19 (protocadherin 19; minus strand). Cytogenetic location: Xq22.1.
Variant type: single nucleotide variant.
Coding change: c.2063T>C on transcript NM_001184880.2 (MANE Select); coding-DNA position 2063, T replaced by C.
Protein change: p.Ile688Thr; replaces isoleucine 688 with threonine.
Molecular consequence: missense variant.
Genome position (GRCh38, 1-based): chrX:100,406,535, A>G on the plus strand (T>C on the coding strand, the complement: PCDH19 is on the minus strand). VCF-style: chrX-100406535-A-G. GRCh37 (hg19) VCF-style: chrX-99661533-A-G.
Other names: c.2063T>C, p.Ile688Thr (NM_001105243.2, NM_020766.3); short protein forms I688T.
Identifiers: ClinVar variation 1501847 (VCV001501847.8), dbSNP rs2147537200, ClinGen allele CA414001370.